The following is an entry in ClinVar:

ClinVar aggregate classification (germline): Pathogenic (1 of 4 stars; one submission).

Submission:

ARUP Laboratories, Molecular Genetics and Genomics, ARUP Laboratories
Classification: Pathogenic. Last evaluated: 2018-05-01. Review status: criteria provided, single submitter. Criteria: ARUP Molecular Germline Variant Investigation Process. Collection method: clinical testing. Allele origin: germline.
Comment: The PKD2 c.574_575del; p.Arg192fs variant, to our knowledge, has not been reported in the medical literature or in gene-specific database. It is also absent from general population databases (1000 Genomes Project, Exome Variant Server, and Genome Aggregation Database), indicating it is not a common polymorphism. This variant creates a frameshift by deleting 2 nucleotides, so it is predicted to result in a truncated protein or mRNA subject to nonsense-mediated decay. Additionally, several downstream frameshift variants have been described in individuals affected with autosomal dominant polycystic kidney disease (Audrezet 2012, Rossetti 2003, Tan 2009, Veldhuisen 1997). Based on available information, this variant is considered pathogenic. References: Audrezet M et al. Autosomal dominant polycystic kidney disease: comprehensive mutation analysis of PKD1 and PKD2 in 700 unrelated patients. Hum Mutat. 2012 Aug;33(8):1239-50. Rossetti S et al. Association of mutation position in polycystic kidney disease 1 (PKD1) gene and development of a vascular phenotype. Lancet. 2003 Jun 28;361(9376):2196-201. Tan Y et al. Novel method for genomic analysis of PKD1 and PKD2 mutations in autosomal dominant polycystic kidney disease. Hum Mutat. 2009 Feb;30(2):264-73. Veldhuisen B et al. A spectrum of mutations in the second gene for autosomal dominant polycystic kidney disease (PKD2). Am J Hum Genet. 1997 Sep;61(3):547-55.

NM_000297.4(PKD2):c.574_575del (p.Arg192fs)

Genes: PKD2 (polycystin 2, transient receptor potential cation channel; plus strand), LOC129992813 (ATAC-STARR-seq lymphoblastoid silent region 15559; plus strand). Cytogenetic location: 4q22.1.
Variant type: Microsatellite.
Coding change: c.574_575del on transcript NM_000297.4 (MANE Select); coding-DNA positions 574 to 575, 2 bases deleted (AG; older notation c.574_575delAG).
Protein change: p.Arg192fs; shifts the reading frame from arginine 192.
Molecular consequence: frameshift variant. On other transcripts: non-coding transcript variant (1).
Genome position (GRCh38, 1-based): chr4:88,008,307-88,008,308, AG deleted; deleting any 2 consecutive bases within chr4:88,008,304-88,008,308 gives the same sequence; the c. name uses the placement nearest the transcript's 3' end. VCF-style (leftmost placement, unchanged base first): chr4-88008303-GGA-G. GRCh37 (hg19) VCF-style: chr4-88929455-GGA-G.
Other names: short protein forms R192fs.
Identifiers: ClinVar variation 618826 (VCV000618826.8), dbSNP rs1578111741, ClinGen allele CA913190202.
Genomic context (GRCh38, chr4:88,008,303, plus strand): 5'-CGGGGACCCGCTGCATCGCCACCTCCCCCTGGAAGGGCAGCCGCCCCGAGTGGCCTGGGC[GGA>G]GAGGCTGGTTCGCGGGCTGCGAGGTAAGAGCGCGCGACCCGCAGCGGCAGATGCACGAAC-3'